The following is an entry in ClinVar:

ClinVar aggregate classification (germline): Pathogenic (1 of 4 stars; one submission).

Conditions:
Vici syndrome (VICIS). Identifiers: Orphanet 1493, MedGen C1855772, MONDO:0009452, OMIM 242840.

Submission:

Labcorp Genetics (formerly Invitae), Labcorp
Classification: Pathogenic for Vici syndrome. Last evaluated: 2023-03-19. Review status: criteria provided, single submitter. Criteria: Invitae Variant Classification Sherloc (09022015). Collection method: clinical testing. Allele origin: unknown.
Comment: For these reasons, this variant has been classified as Pathogenic. This variant has not been reported in the literature in individuals affected with EPG5-related conditions. This variant is a gross deletion of the genomic region encompassing exon(s) 17-20 of the EPG5 gene. This deletion is out-of-frame, and is expected to create a premature termination codon and result in an absent or disrupted protein product. Loss-of-function variants in EPG5 are known to be pathogenic (PMID: 23222957, 23674064).

Literature cited by the submitters: PubMed 23222957; PubMed 23674064.

NC_000018.9:g.(?_43495456)_(43497804_?)del

Gene: EPG5 (ectopic P-granules 5 autophagy tethering factor; minus strand). Cytogenetic location: 18q12.3.
Variant type: Deletion.
Identifiers: ClinVar variation 3242745 (VCV003242745.1).